The following is an entry in ClinVar:

NM_004820.5(CYP7B1):c.1234-2A>G

Gene: CYP7B1 (cytochrome P450 family 7 subfamily B member 1; minus strand). Cytogenetic location: 8q12.3.
Variant type: single nucleotide variant.
Coding change: c.1234-2A>G on transcript NM_004820.5 (MANE Select); the canonical splice acceptor site of the intron before coding-DNA position 1234, A replaced by G.
Molecular consequence: splice acceptor variant. On other transcripts: intron variant (1).
Genome position (GRCh38, 1-based): chr8:64,596,931, T>C on the plus strand (A>G on the coding strand, the complement: CYP7B1 is on the minus strand). VCF-style: chr8-64596931-T-C. GRCh37 (hg19) VCF-style: chr8-65509488-T-C.
Other names: c.1234-7087A>G (NM_001324112.2).
Identifiers: ClinVar variation 2780438 (VCV002780438.3), dbSNP rs2487154105, ClinGen allele CA371333638.

ClinVar aggregate classification (germline): Pathogenic (1 of 4 stars; one submission).

Conditions:
Spastic paraplegia. Identifiers: MedGen C0037772, HP:0001258.

Allele frequency attached by ClinVar (database versions not stated): gnomAD exomes below 0.00001.
gnomAD v4.1: 1 of 1,604,006 alleles (0.000062%); highest among the groups gnomAD compares: Non-Finnish European, 0.000085%; no homozygotes.

Submission:

Labcorp Genetics (formerly Invitae), Labcorp
Classification: Pathogenic for Spastic paraplegia. Last evaluated: 2023-02-17. Review status: criteria provided, single submitter. Criteria: Invitae Variant Classification Sherloc (09022015). Collection method: clinical testing. Allele origin: germline.
Comment: For these reasons, this variant has been classified as Pathogenic. This variant disrupts a region of the CYP7B1 protein in which other variant(s) (p.Arg417His) have been determined to be pathogenic (PMID: 18252231, 19439420, 22384504). This suggests that this is a clinically significant region of the protein, and that variants that disrupt it are likely to be disease-causing. Variants that disrupt the consensus splice site are a relatively common cause of aberrant splicing (PMID: 17576681, 9536098). Algorithms developed to predict the effect of sequence changes on RNA splicing suggest that this variant may disrupt the consensus splice site. This variant has not been reported in the literature in individuals affected with CYP7B1-related conditions. This variant is not present in population databases (gnomAD no frequency). This sequence change affects an acceptor splice site in intron 5 of the CYP7B1 gene. While this variant is not anticipated to result in nonsense mediated decay, it likely alters RNA splicing and results in a disrupted protein product.

Literature cited by the submitters: PubMed 18252231; PubMed 19439420; PubMed 22384504; PubMed 17576681; PubMed 9536098.